The following is an entry in ClinVar:

NM_025132.4(WDR19):c.277G>C (p.Asp93His)

Gene: WDR19 (WD repeat domain 19; plus strand). Cytogenetic location: 4p14.
Variant type: single nucleotide variant.
Coding change: c.277G>C on transcript NM_025132.4 (MANE Select); coding-DNA position 277, G replaced by C.
Protein change: p.Asp93His; replaces aspartic acid 93 with histidine.
Molecular consequence: missense variant. On other transcripts: 5 prime UTR variant (1).
Genome position (GRCh38, 1-based): chr4:39,189,768, G>C. VCF-style: chr4-39189768-G-C. GRCh37 (hg19) VCF-style: chr4-39191388-G-C.
Other names: c.-88G>C (NM_001317924.2); short protein forms D93H.
Identifiers: ClinVar variation 1354015 (VCV001354015.8), dbSNP rs1725959489, ClinGen allele CA356631605.
Genomic context (GRCh38, chr4:39,189,768, plus strand): 5'-GCTGAGAAATCTAGCTGCATTTATCTTTGGGATGCCAACACAAATAAGACCAGCCAGTTA[G>C]ACAATGGCATGAGGTAAGATAACTTTTTAATTTTTTAAAGCTTCACTTAGAAACATGAAT-3'
Protein context (NP_079408.3, residues 83-103): DANTNKTSQL[Asp93His]NGMRDQMSFL

ClinVar aggregate classification (germline): Uncertain significance (1 of 4 stars; one submission).

Conditions:
Asphyxiating thoracic dystrophy 5 (SRTD5). Also called: SHORT-RIB THORACIC DYSPLASIA 5 WITH OR WITHOUT POLYDACTYLY; SHORT-RIB THORACIC DYSPLASIA 5 WITHOUT POLYDACTYLY. Identifiers: Orphanet 474, MedGen C3280598, MONDO:0013717, OMIM 614376.
Senior-Loken syndrome 8 (SLSN8). Identifiers: Orphanet 3156, MedGen C4225376, MONDO:0014579, OMIM 616307.

Allele frequency attached by ClinVar (database versions not stated): TOPMed below 0.00001; gnomAD 0.00001.

Submission:

Labcorp Genetics (formerly Invitae), Labcorp
Classification: Uncertain significance for Senior-Loken syndrome 8; Asphyxiating thoracic dystrophy 5. Last evaluated: 2022-11-08. Review status: criteria provided, single submitter. Criteria: Invitae Variant Classification Sherloc (09022015). Collection method: clinical testing. Allele origin: germline.
Comment: This sequence change replaces aspartic acid, which is acidic and polar, with histidine, which is basic and polar, at codon 93 of the WDR19 protein (p.Asp93His). This variant is not present in population databases (gnomAD no frequency). This variant has not been reported in the literature in individuals affected with WDR19-related conditions. ClinVar contains an entry for this variant (Variation ID: 1354015). Advanced modeling of protein sequence and biophysical properties (such as structural, functional, and spatial information, amino acid conservation, physicochemical variation, residue mobility, and thermodynamic stability) performed at Invitae indicates that this missense variant is not expected to disrupt WDR19 protein function. In summary, the available evidence is currently insufficient to determine the role of this variant in disease. Therefore, it has been classified as a Variant of Uncertain Significance.